The following is an entry in ClinVar:

ClinVar aggregate classification (germline): Pathogenic/Likely pathogenic. Review status: criteria provided, multiple submitters, no conflicts (2 of 4 stars). 7 submissions from 7 submitters: Pathogenic (2); Likely pathogenic (5). Last evaluated 2025-11-03.

Conditions:
Inborn genetic diseases. Identifiers: MedGen C0950123, MeSH D030342.
PMM2-congenital disorder of glycosylation. Also called: JAEKEN SYNDROME; Congenital disorder of glycosylation, type Ia; PHOSPHOMANNOMUTASE 2 DEFICIENCY; CARBOHYDRATE-DEFICIENT GLYCOPROTEIN SYNDROME, TYPE Ia; CDG Ia; PMM2-CDG. Identifiers: Orphanet 79318, MedGen C0349653, MONDO:0008907, OMIM 212065.

Allele frequency attached by ClinVar (database versions not stated): gnomAD 0.00001; gnomAD exomes 0.00002; TOPMed 0.00002; ExAC 0.00004.
gnomAD v4.1: 50 of 1,607,600 alleles (0.0031%); highest among the groups gnomAD compares: Non-Finnish European, 0.0041%; no homozygotes.

Submissions (7):

Natera, Inc.
Classification: Likely pathogenic for Congenital disorder of glycosylation type 1a. Last evaluated: 2025-11-03. Review status: criteria provided, single submitter. Criteria: Natera Variant Classification Schema (03/2026). Collection method: clinical testing. Allele origin: germline.
Comment: The c.53C>G variant in PMM2 is a missense variant predicted to cause substitution of threonine to serine at amino acid 18. This variant is rare in the general population with a frequency below the threshold expected for the associated phenotype(s). This variant has been observed in one or more individuals affected with the associated recessive disease, as either homozygous or compound heterozygous with a second variant (PMID: 31117816, 25497157, 16435227). Additionally, this variant has been observed to segregate in affected family members (PMID: 25497157). Functional studies show that this variant may disrupt protein function (PMID: 15844218). Computational prediction algorithms indicate this variant is likely to affect gene or protein function. Given the available evidence, this variant is classified as Likely Pathogenic.

Labcorp Genetics (formerly Invitae), Labcorp
Classification: Pathogenic for PMM2-congenital disorder of glycosylation. Last evaluated: 2025-08-17. Review status: criteria provided, single submitter. Criteria: Invitae Variant Classification Sherloc (09022015). Collection method: clinical testing. Allele origin: germline.
Comment: This sequence change replaces threonine, which is neutral and polar, with serine, which is neutral and polar, at codon 18 of the PMM2 protein (p.Thr18Ser). This variant is present in population databases (rs760265100, gnomAD 0.004%). This missense change has been observed in individual(s) with congenital disorder of glycosylation (PMID: 15844218, 16435227, 28139241). In at least one individual the data is consistent with being in trans (on the opposite chromosome) from a pathogenic variant. ClinVar contains an entry for this variant (Variation ID: 521048). Invitae Evidence Modeling of protein sequence and biophysical properties (such as structural, functional, and spatial information, amino acid conservation, physicochemical variation, residue mobility, and thermodynamic stability) indicates that this missense variant is expected to disrupt PMM2 protein function with a positive predictive value of 95%. Experimental studies have shown that this missense change affects PMM2 function (PMID: 15844218). For these reasons, this variant has been classified as Pathogenic.

GeneDx
Classification: Pathogenic. Last evaluated: 2024-02-14. Review status: criteria provided, single submitter. Criteria: GeneDx Variant Classification Process June 2021. Collection method: clinical testing. Allele origin: germline. Affected: yes.
Comment: Published functional studies demonstrate a damaging effect: T18S causes reduced protein thermostability (PMID: 15844218); In silico analysis supports that this missense variant has a deleterious effect on protein structure/function; Not observed at significant frequency in large population cohorts (gnomAD); This variant is associated with the following publications: (PMID: 15844218, 16435227, 34828263, 25497157, 31589614, 34859900, 35789514, 28139241)

Fulgent Genetics
Classification: Likely pathogenic for PMM2-congenital disorder of glycosylation. Last evaluated: 2023-12-28. Review status: criteria provided, single submitter. Criteria: ACMG Guidelines, 2015. Collection method: clinical testing. Allele origin: germline.

Women's Health and Genetics/Laboratory Corporation of America, LabCorp
Classification: Likely pathogenic for PMM2-congenital disorder of glycosylation. Last evaluated: 2022-06-08. Review status: criteria provided, single submitter. Criteria: LabCorp Variant Classification Summary - May 2015. Collection method: clinical testing. Allele origin: germline.
Comment: Variant summary: PMM2 c.53C>G (p.Thr18Ser) results in a conservative amino acid change in the encoded protein sequence. Three of five in-silico tools predict a damaging effect of the variant on protein function. The variant allele was found at a frequency of 1.7e-05 in 230864 control chromosomes. c.53C>G has been reported in the literature in multiple individuals affected with Congenital Disorder Of Glycosylation Type 1a (example Le Bizec_2005, Coman_2005, Perez-Cerda_2017, van den Boogert_2019). These data indicate that the variant is likely to be associated with disease. An experimental study found the variant PMM2 protein to have normal PPM activity, but in comparison to wild type PPM2 its activity was severely reduced in response to heat, suggesting it may have an impact on protein stability (Le Bizec_2005). Three clinical diagnostic laboratories have submitted clinical-significance assessments for this variant to ClinVar after 2014. Two laboratories classified the variant as likely pathogenic and one as pathogenic. Based on the evidence outlined above, the variant was classified as likely pathogenic.

Mayo Clinic Laboratories, Mayo Clinic
Classification: Likely pathogenic. Last evaluated: 2020-04-08. Review status: criteria provided, single submitter. Criteria: ACMG Guidelines, 2015. Collection method: clinical testing. Allele origin: germline. Observed: 1 variant allele.

Ambry Genetics
Classification: Likely pathogenic for Inborn genetic diseases. Last evaluated: 2016-04-11. Review status: criteria provided, single submitter. Criteria: Ambry exome assertion method (8-5-2015). Collection method: clinical testing. Allele origin: germline. Affected: yes. Observed: 1 variant allele.

Literature cited by the submitters: PubMed 31117816 (cited by Natera, Inc. and Women's Health and Genetics/Laboratory Corporation of America, LabCorp); PubMed 25497157 (cited by 3 submitters); PubMed 16435227 (cited by 4 submitters); PubMed 15844218 (cited by 4 submitters); PubMed 28139241 (cited by 3 submitters); PubMed 28954837 (cited by Mayo Clinic Laboratories, Mayo Clinic); PubMed 17451957 (cited by Mayo Clinic Laboratories, Mayo Clinic).

NM_000303.3(PMM2):c.53C>G (p.Thr18Ser)

Gene: PMM2 (phosphomannomutase 2; plus strand). Cytogenetic location: 16p13.2.
Variant type: single nucleotide variant.
Coding change: c.53C>G on transcript NM_000303.3 (MANE Select); coding-DNA position 53, C replaced by G.
Protein change: p.Thr18Ser; replaces threonine 18 with serine.
Molecular consequence: missense variant.
Genome position (GRCh38, 1-based): chr16:8,797,935, C>G. VCF-style: chr16-8797935-C-G. GRCh37 (hg19) VCF-style: chr16-8891792-C-G.
Other names: short protein forms T18S.
Identifiers: ClinVar variation 521048 (VCV000521048.26), dbSNP rs760265100, ClinGen allele CA7893858.